The following is an entry in ClinVar:

ClinVar aggregate classification (germline): Pathogenic (1 of 4 stars; one submission).

gnomAD v4.1: 26 of 1,561,380 alleles (0.0017%); highest among the groups gnomAD compares: Non-Finnish European, 0.0022%; no homozygotes.

Submission:

Labcorp Genetics (formerly Invitae), Labcorp
Classification: Pathogenic. Last evaluated: 2025-06-02. Review status: criteria provided, single submitter. Criteria: Invitae Variant Classification Sherloc (09022015). Collection method: clinical testing. Allele origin: germline.
Comment: This sequence change creates a premature translational stop signal (p.Cys51*) in the CFD gene. It is expected to result in an absent or disrupted protein product. Loss-of-function variants in CFD are known to be pathogenic (PMID: 11724962). This variant is not present in population databases (gnomAD no frequency). This variant has not been reported in the literature in individuals affected with CFD-related conditions. ClinVar contains an entry for this variant (Variation ID: 1412951). For these reasons, this variant has been classified as Pathogenic.

Literature cited by the submitters: PubMed 11724962.

NM_001928.4(CFD):c.153C>A (p.Cys51Ter)

Gene: CFD (complement factor D; plus strand). Cytogenetic location: 19p13.3.
Variant type: single nucleotide variant.
Coding change: c.153C>A on transcript NM_001928.4 (MANE Select); coding-DNA position 153, C replaced by A.
Protein change: p.Cys51Ter; replaces cysteine 51 with a stop codon.
Molecular consequence: nonsense.
Genome position (GRCh38, 1-based): chr19:860,714, C>A. VCF-style: chr19-860714-C-A. GRCh37 (hg19) VCF-style: chr19-860714-C-A.
Other names: c.174C>A, p.Cys58Ter (NM_001317335.2); short protein forms C58*, C51*.
Identifiers: ClinVar variation 1412951 (VCV001412951.6), dbSNP rs1475552802, ClinGen allele CA402920709.
Genomic context (GRCh38, chr19:860,714, plus strand): 5'-GGCCGAGGCGCACGCGCGGCCCTACATGGCGTCGGTGCAGCTGAACGGCGCGCACCTGTG[C>A]GGCGGCGTCCTGGTGGCGGAGCAGTGGGTGCTGAGCGCGGCGCACTGCCTGGAGGACGCG-3'